The following is an entry in ClinVar:

ClinVar aggregate classification (germline): Uncertain significance. Review status: criteria provided, multiple submitters, no conflicts (2 of 4 stars). 2 submissions from 2 submitters: Uncertain significance (2). Last evaluated 2022-10-25.

Allele frequency attached by ClinVar (database versions not stated): gnomAD exomes below 0.00001.
gnomAD v4.1: 1 of 1,530,706 alleles (0.000065%); highest among the groups gnomAD compares: Non-Finnish European, 0.000087%; no homozygotes.

Submissions (2):

Labcorp Genetics (formerly Invitae), Labcorp
Classification: Uncertain significance. Last evaluated: 2022-10-25. Review status: criteria provided, single submitter. Criteria: Invitae Variant Classification Sherloc (09022015). Collection method: clinical testing. Allele origin: germline.
Comment: This sequence change replaces valine, which is neutral and non-polar, with isoleucine, which is neutral and non-polar, at codon 77 of the MAGEL2 protein (p.Val77Ile). This variant is not present in population databases (gnomAD no frequency). This variant has not been reported in the literature in individuals affected with MAGEL2-related conditions. Experimental studies and prediction algorithms are not available or were not evaluated, and the functional significance of this variant is currently unknown. In summary, the available evidence is currently insufficient to determine the role of this variant in disease. Therefore, it has been classified as a Variant of Uncertain Significance.

CeGaT Center for Human Genetics Tuebingen
Classification: Uncertain significance. Last evaluated: 2022-08-01. Review status: criteria provided, single submitter. Criteria: CeGaT Center For Human Genetics Tuebingen Variant Classification Criteria Version 2. Collection method: clinical testing. Allele origin: germline. Affected: yes. Observed: 1 variant allele.
Comment: MAGEL2: PM2

NM_019066.5(MAGEL2):c.229G>A (p.Val77Ile)

Gene: MAGEL2 (MAGE family member L2; minus strand). Cytogenetic location: 15q11.2.
Variant type: single nucleotide variant.
Coding change: c.229G>A on transcript NM_019066.5 (MANE Select); coding-DNA position 229, G replaced by A.
Protein change: p.Val77Ile; replaces valine 77 with isoleucine.
Molecular consequence: missense variant.
Genome position (GRCh38, 1-based): chr15:23,647,514, C>T on the plus strand (G>A on the coding strand, the complement: MAGEL2 is on the minus strand). VCF-style: chr15-23647514-C-T. GRCh37 (hg19) VCF-style: chr15-23892661-C-T.
Other names: short protein forms V77I.
Identifiers: ClinVar variation 2108384 (VCV002108384.28), dbSNP rs1890446029, ClinGen allele CA391337642.
Genomic context (GRCh38, chr15:23,647,514, plus strand): 5'-CCCCCAGCGGGGGAGCCGGGACTATCGGGCCCCCTAGGGCAGGAGGCTGGGTCATCGGAA[C>T]CACCGGGGCGGGCAGCTGGCCCTGTGGGGCCTCCCAGGCAGGCTGAGGTGCCTGCCAAGC-3'
Protein context (NP_061939.3, residues 67-87): APQGQLPAPV[Val77Ile]PMTQPPALGG